The following is an entry in ClinVar:

ClinVar aggregate classification (germline): Uncertain significance (1 of 4 stars; one submission).

Conditions:
Autosomal dominant nonsyndromic hearing loss 6 (LFSNHL). Also called: DEAFNESS, AUTOSOMAL DOMINANT 6; DEAFNESS, AUTOSOMAL DOMINANT 14; DEAFNESS, AUTOSOMAL DOMINANT 38; Autosomal dominant nonsyndromic deafness 6. Identifiers: Orphanet 90635, MedGen C1833021, MONDO:0010963, OMIM 600965.
Wolfram-like syndrome. Also called: HEARING LOSS, PROGRESSIVE, WITH OPTIC ATROPHY AND/OR IMPAIRED GLUCOSE REGULATION. Identifiers: Orphanet 411590, MedGen C3280358, MONDO:0013673, OMIM 614296.
Type 2 diabetes mellitus. Also called: Type II diabetes mellitus. Identifiers: MedGen C0011860, MeSH D003924, MONDO:0005148, OMIM 125853, HP:0005978.
Wolfram syndrome 1 (WFS1). Identifiers: Orphanet 3463, MedGen C4551693, MONDO:0009101, OMIM 222300.

Submission:

Clinical Genomics Laboratory, Washington University in St. Louis
Classification: Uncertain significance for Wolfram syndrome 1; Autosomal dominant nonsyndromic hearing loss 6; Wolfram-like syndrome; Type 2 diabetes mellitus. Last evaluated: 2025-08-18. Review status: criteria provided, single submitter. Criteria: ACMG Guidelines, 2015. Collection method: clinical testing. Allele origin: germline.
Comment: A WFS1 c.1505G>T (p.Ser502Ile) variant was identified in a heterozygous state. The WFS1 c.1505G>T (p.Ser502Ile) variant, to our knowledge, has not been reported in the medical literature. This variant is absent from the general population (gnomAD v2.1.1), indicating it is not a common variant. Computational predictors indicate that the variant is damaging, evidence that correlates with impact to WFS1 function. Due to limited information, and based on ACMG/AMP guidelines for variant interpretation (Richards S et al., PMID: 25741868), the clinical significance of this variant is uncertain at this time.

NM_006005.3(WFS1):c.1505G>T (p.Ser502Ile)

Gene: WFS1 (wolframin ER transmembrane glycoprotein; plus strand). Cytogenetic location: 4p16.1.
Variant type: single nucleotide variant.
Coding change: c.1505G>T on transcript NM_006005.3 (MANE Select); coding-DNA position 1505, G replaced by T.
Protein change: p.Ser502Ile; replaces serine 502 with isoleucine.
Molecular consequence: missense variant.
Genome position (GRCh38, 1-based): chr4:6,301,300, G>T. VCF-style: chr4-6301300-G-T. GRCh37 (hg19) VCF-style: chr4-6303027-G-T.
Other names: c.1505G>T, p.Ser502Ile (NM_001145853.1); short protein forms S502I.
Identifiers: ClinVar variation 4279899 (VCV004279899.1).